The following is an entry in ClinVar:

NM_057175.5(NAA15):c.46C>G (p.Arg16Gly)

Genes: NAA15 (N-alpha-acetyltransferase 15, NatA auxiliary subunit; plus strand), NDUFC1 (NADH:ubiquinone oxidoreductase subunit C1; minus strand). Cytogenetic location: 4q31.1.
Variant type: single nucleotide variant.
Coding change: c.46C>G on transcript NM_057175.5 (MANE Select); coding-DNA position 46, C replaced by G.
Protein change: p.Arg16Gly; replaces arginine 16 with glycine.
Molecular consequence: missense variant. On other transcripts: intron variant (4).
Genome position (GRCh38, 1-based): chr4:139,301,823, C>G. VCF-style: chr4-139301823-C-G. GRCh37 (hg19) VCF-style: chr4-140222977-C-G.
Other names: c.46C>G, p.Arg16Gly (NM_001410842.1); c.-159+593G>C (NM_001184990.1); c.-163+593G>C (NM_001184987.1); c.-199+593G>C (NM_001184988.1); c.-222+593G>C (NM_001184989.2); short protein forms R16G.
Identifiers: ClinVar variation 1300558 (VCV001300558.2), dbSNP rs2110800853, ClinGen allele CA358253258.

ClinVar aggregate classification (germline): Likely pathogenic (1 of 4 stars; one submission).

Submission:

GeneDx
Classification: Likely pathogenic. Last evaluated: 2020-01-16. Review status: criteria provided, single submitter. Criteria: GeneDx Variant Classification Process June 2021. Collection method: clinical testing. Allele origin: germline. Affected: yes.
Comment: Not observed in large population cohorts (Lek et al., 2016); In silico analysis, which includes protein predictors and evolutionary conservation, supports a deleterious effect; Has not been previously published as pathogenic or benign to our knowledge